The following is an entry in ClinVar:

ClinVar aggregate classification (germline): Uncertain significance. Review status: criteria provided, multiple submitters, no conflicts (2 of 4 stars). 2 submissions from 2 submitters: Uncertain significance (2). Last evaluated 2022-04-25.

Conditions:
Spondyloepimetaphyseal dysplasia-short limb-abnormal calcification syndrome (SMED-SL). Also called: SMED short limb-hand type; SMED type 2; Spondylometaepiphyseal dysplasia short limb-abnormal calcification type; Smed short limb-abnormal calcification type; Spondylometaepiphyseal dysplasia, short limb-hand type; SMED, TYPE II. Identifiers: Orphanet 93358, MedGen C1849011, MONDO:0010077, OMIM 271665.

Allele frequency attached by ClinVar (database versions not stated): gnomAD 0.00001; gnomAD exomes 0.00001 and 0.00005; TOPMed 0.00002; ESP Exome Variant Server 0.00008.
gnomAD v4.1: 75 of 1,613,852 alleles (0.0046%); highest among the groups gnomAD compares: Non-Finnish European, 0.0064%; no homozygotes.

Submissions (2):

Labcorp Genetics (formerly Invitae), Labcorp
Classification: Uncertain significance. Last evaluated: 2022-04-25. Review status: criteria provided, single submitter. Criteria: Invitae Variant Classification Sherloc (09022015). Collection method: clinical testing. Allele origin: germline.
Comment: This variant is present in population databases (rs141409742, gnomAD 0.002%). This sequence change replaces aspartic acid, which is acidic and polar, with glycine, which is neutral and non-polar, at codon 835 of the DDR2 protein (p.Asp835Gly). This variant has not been reported in the literature in individuals affected with DDR2-related conditions. In summary, the available evidence is currently insufficient to determine the role of this variant in disease. Therefore, it has been classified as a Variant of Uncertain Significance. Algorithms developed to predict the effect of missense changes on protein structure and function are either unavailable or do not agree on the potential impact of this missense change (SIFT: "Tolerated"; PolyPhen-2: "Possibly Damaging"; Align-GVGD: "Class C0"). ClinVar contains an entry for this variant (Variation ID: 873805).

Illumina Laboratory Services, Illumina
Classification: Uncertain significance for Spondyloepimetaphyseal dysplasia-short limb-abnormal calcification syndrome. Last evaluated: 2018-01-12. Review status: criteria provided, single submitter. Criteria: ICSL Variant Classification Criteria 13 December 2019. Collection method: clinical testing. Allele origin: germline.

NM_006182.4(DDR2):c.2504A>G (p.Asp835Gly)

Gene: DDR2 (discoidin domain receptor tyrosine kinase 2; plus strand). Cytogenetic location: 1q23.3.
Variant type: single nucleotide variant.
Coding change: c.2504A>G on transcript NM_006182.4 (MANE Select); coding-DNA position 2504, A replaced by G.
Protein change: p.Asp835Gly; replaces aspartic acid 835 with glycine.
Molecular consequence: missense variant.
Genome position (GRCh38, 1-based): chr1:162,780,182, A>G. VCF-style: chr1-162780182-A-G. GRCh37 (hg19) VCF-style: chr1-162749972-A-G.
Other names: c.2504A>G, p.Asp835Gly (NM_001014796.3, NM_001354982.2, NM_001354983.2); short protein forms D835G.
Identifiers: ClinVar variation 873805 (VCV000873805.8), dbSNP rs141409742, ClinGen allele CA31817828.